The following is an entry in ClinVar:

NM_000113.3(TOR1A):c.155A>G (p.Gln52Arg)

Gene: TOR1A (torsin family 1 member A; minus strand). Cytogenetic location: 9q34.11.
Variant type: single nucleotide variant.
Coding change: c.155A>G on transcript NM_000113.3 (MANE Select); coding-DNA position 155, A replaced by G.
Protein change: p.Gln52Arg; replaces glutamine 52 with arginine.
Molecular consequence: missense variant.
Genome position (GRCh38, 1-based): chr9:129,823,931, T>C on the plus strand (A>G on the coding strand, the complement: TOR1A is on the minus strand). VCF-style: chr9-129823931-T-C. GRCh37 (hg19) VCF-style: chr9-132586210-T-C.
Other names: short protein forms Q52R.
Identifiers: ClinVar variation 3714906 (VCV003714906.2).

ClinVar aggregate classification (germline): Uncertain significance (1 of 4 stars; one submission).

Conditions:
Dystonic disorder. Also called: Dystonia. Identifiers: MedGen C0013421, MONDO:0003441, HP:0001332.

Submission:

Labcorp Genetics (formerly Invitae), Labcorp
Classification: Uncertain significance for Dystonic disorder. Last evaluated: 2024-03-12. Review status: criteria provided, single submitter. Criteria: Invitae Variant Classification Sherloc (09022015). Collection method: clinical testing. Allele origin: germline.
Comment: This sequence change replaces glutamine, which is neutral and polar, with arginine, which is basic and polar, at codon 52 of the TOR1A protein (p.Gln52Arg). This variant is not present in population databases (gnomAD no frequency). This variant has not been reported in the literature in individuals affected with TOR1A-related conditions. Advanced modeling of protein sequence and biophysical properties (such as structural, functional, and spatial information, amino acid conservation, physicochemical variation, residue mobility, and thermodynamic stability) performed at Invitae indicates that this missense variant is not expected to disrupt TOR1A protein function with a negative predictive value of 80%. In summary, the available evidence is currently insufficient to determine the role of this variant in disease. Therefore, it has been classified as a Variant of Uncertain Significance.